The following is an entry in ClinVar:

NM_181507.2(HPS5):c.2195G>A (p.Gly732Asp)

Gene: HPS5 (HPS5 biogenesis of lysosomal organelles complex 2 subunit 2; minus strand). Cytogenetic location: 11p15.1.
Variant type: single nucleotide variant.
Coding change: c.2195G>A on transcript NM_181507.2 (MANE Select); coding-DNA position 2195, G replaced by A.
Protein change: p.Gly732Asp; replaces glycine 732 with aspartic acid.
Molecular consequence: missense variant. On other transcripts: intron variant (1).
Genome position (GRCh38, 1-based): chr11:18,291,687, C>T on the plus strand (G>A on the coding strand, the complement: HPS5 is on the minus strand). VCF-style: chr11-18291687-C-T. GRCh37 (hg19) VCF-style: chr11-18313234-C-T.
Other names: c.2195G>A, p.Gly732Asp (NM_001440902.1, NM_001440903.1, NM_001440904.1 and 4 more transcripts); c.1982G>A, p.Gly661Asp (NM_001440919.1); c.1853G>A, p.Gly618Asp (NM_001440920.1, NM_001440921.1, NM_001440922.1 and 7 more transcripts); c.1781G>A, p.Gly594Asp (NM_001440927.1, NM_001440928.1, NM_001440929.1); c.1862+1212G>A (NM_001440931.1); c.2120G>A, p.Gly707Asp (NM_001440907.1, NM_001440908.1, NM_001440909.1); c.2084G>A, p.Gly695Asp (NM_001440913.1, NM_001440914.1, NM_001440915.1); c.2009G>A, p.Gly670Asp (NM_001440918.1); short protein forms G707D, G594D, G618D, G670D, G732D, G661D, G695D.
Identifiers: ClinVar variation 4272072 (VCV004272072.2).

ClinVar aggregate classification (germline): Uncertain significance. Review status: criteria provided, multiple submitters, no conflicts (2 of 4 stars). 2 submissions from 2 submitters: Uncertain significance (2). Last evaluated 2025-11-30.

Conditions:
Inborn genetic diseases. Identifiers: MedGen C0950123, MeSH D030342.
HPS5-related disorder. Also called: HPS5-related condition.

gnomAD v4.1: 3 of 1,614,240 alleles (0.00019%); highest among the groups gnomAD compares: South Asian, 0.0022%; no homozygotes.

Submissions (2):

PreventionGenetics, part of Exact Sciences
Classification: Uncertain significance for HPS5-related condition. Last evaluated: 2025-11-30. Review status: criteria provided, single submitter. Criteria: ACMG Guidelines, 2015. Collection method: clinical testing. Allele origin: germline.
Comment: The HPS5 c.2195G>A variant is predicted to result in the amino acid substitution p.Gly732Asp. To our knowledge, this variant has not been reported in the literature. This variant is reported in 0.0065% of alleles in individuals of South Asian descent in gnomAD. At this time, the clinical significance of this variant is uncertain due to the absence of conclusive functional and genetic evidence.

Ambry Genetics
Classification: Uncertain significance for Inborn genetic diseases. Last evaluated: 2025-06-18. Review status: criteria provided, single submitter. Criteria: Ambry Variant Classification Scheme 2023. Collection method: clinical testing. Allele origin: germline.